The following is an entry in ClinVar:

ClinVar aggregate classification (germline): Uncertain significance. Review status: criteria provided, multiple submitters, no conflicts (2 of 4 stars). 4 submissions from 4 submitters: Uncertain significance (4). Last evaluated 2025-06-05.

Conditions:
Long QT syndrome (LQTS). Identifiers: MedGen C0023976, MeSH D008133, MONDO:0002442. Disease mechanism: loss of function. Inheritance: Various modes of inheritance.
Cardiovascular phenotype. Identifiers: MedGen CN230736.

Submissions (5):

Ambry Genetics
Classification: Uncertain significance for Cardiovascular phenotype. Last evaluated: 2025-06-05. Review status: criteria provided, single submitter. Criteria: Ambry Variant Classification Scheme 2023. Collection method: clinical testing. Allele origin: germline.
Comment: The p.R67L variant (also known as c.200G>T), located in coding exon 1 of the KCNE1 gene, results from a G to T substitution at nucleotide position 200. The arginine at codon 67 is replaced by leucine, an amino acid with dissimilar properties. This variant has been reported in a sudden cardiac arrest cohort (Mellor G et al. Circ Cardiovasc Genet, 2017 Jun;10:). This amino acid position is highly conserved in available vertebrate species. In addition, this alteration is predicted to be deleterious by in silico analysis. Based on the available evidence, the clinical significance of this variant remains unclear.

Labcorp Genetics (formerly Invitae), Labcorp
Classification: Uncertain significance for Long QT syndrome. Last evaluated: 2023-05-11. Review status: criteria provided, single submitter. Criteria: Invitae Variant Classification Sherloc (09022015). Collection method: clinical testing. Allele origin: germline.
Comment: This sequence change replaces arginine, which is basic and polar, with leucine, which is neutral and non-polar, at codon 67 of the KCNE1 protein (p.Arg67Leu). This variant is present in population databases (no rsID available, gnomAD 0.0009%). This missense change has been observed in individual(s) with Long QT syndrome (PMID: 31941373). ClinVar contains an entry for this variant (Variation ID: 418269). Advanced modeling of protein sequence and biophysical properties (such as structural, functional, and spatial information, amino acid conservation, physicochemical variation, residue mobility, and thermodynamic stability) has been performed at Invitae for this missense variant, however the output from this modeling did not meet the statistical confidence thresholds required to predict the impact of this variant on KCNE1 protein function. This variant disrupts the p.Arg67 amino acid residue in KCNE1. Other variant(s) that disrupt this residue have been determined to be pathogenic (PMID: 31941373). This suggests that this residue is clinically significant, and that variants that disrupt this residue are likely to be disease-causing. In summary, the available evidence is currently insufficient to determine the role of this variant in disease. Therefore, it has been classified as a Variant of Uncertain Significance.

ARUP Laboratories, Molecular Genetics and Genomics, ARUP Laboratories
Classification: Uncertain significance. Last evaluated: 2023-05-10. Review status: criteria provided, single submitter. Criteria: ARUP Molecular Germline Variant Investigation Process 2024. Collection method: clinical testing. Allele origin: germline.
Comment: The KCNE1 c.200G>T; p.Arg67Leu variant (rs79654911) is reported in the literature in individuals with idiopathic cardiac arrest or long QT syndrome (Mellor 2017, Roberts 2020). This variant is also reported in ClinVar (Variation ID: 418269). This variant is only observed on one allele in the Genome Aggregation Database, indicating it is not a common polymorphism. Computational analyses predict that this variant is deleterious (REVEL: 0.91). Due to limited information, the clinical significance of this variant is uncertain at this time.

GeneDx
Classification: Uncertain significance. Last evaluated: 2021-06-15. Review status: criteria provided, single submitter. Criteria: GeneDx Variant Classification Process June 2021. Collection method: clinical testing. Allele origin: germline. Affected: yes.
Comment: Not observed at significant frequency in large population cohorts (Lek et al., 2016); In silico analysis, which includes protein predictors and evolutionary conservation, supports a deleterious effect; This variant is associated with the following publications: (PMID: 26179811, 28600387, 30461122, 31941373, 26582918, 27535533)

Roden Lab, Vanderbilt University Medical Center
No classification provided (evidence only). Condition: Long QT syndrome 5. Review status: no classification provided. Collection method: in vitro. Allele origin: not applicable. Functional consequence: Effect on ion channel function. Not counted in ClinVar's aggregate classification.
ClinVar note: "not provided" was previously submitted as the classification for the variant. However, the classification appeared to be based only on an observation of functional data so it was converted to no classification on 2025-07-30.

Literature cited by the submitters: PubMed 28600387 (cited by Ambry Genetics); PubMed 31941373 (cited by Labcorp Genetics (formerly Invitae), Labcorp).

NM_000219.6(KCNE1):c.200G>T (p.Arg67Leu)

Gene: KCNE1 (potassium voltage-gated channel subfamily E regulatory subunit 1; minus strand). Cytogenetic location: 21q22.12.
Variant type: single nucleotide variant.
Coding change: c.200G>T on transcript NM_000219.6 (MANE Select); coding-DNA position 200, G replaced by T.
Protein change: p.Arg67Leu; replaces arginine 67 with leucine.
Molecular consequence: missense variant.
Genome position (GRCh38, 1-based): chr21:34,449,435, C>A on the plus strand (G>T on the coding strand, the complement: KCNE1 is on the minus strand). VCF-style: chr21-34449435-C-A. GRCh37 (hg19) VCF-style: chr21-35821733-C-A.
Other names: c.200G>T, p.Arg67Leu (NM_001127668.4, NM_001127669.4, NM_001127670.4 and 4 more transcripts); short protein forms R67L.
Identifiers: ClinVar variation 418269 (VCV000418269.11), dbSNP rs79654911, ClinGen allele CA16620988.